The following is an entry in ClinVar:

NM_001080414.4(CCDC88C):c.5562_5563del (p.His1854fs)

Gene: CCDC88C (coiled-coil and HOOK domain protein 88C; minus strand). Cytogenetic location: 14q32.11.
Variant type: Deletion.
Coding change: c.5562_5563del on transcript NM_001080414.4 (MANE Select); coding-DNA positions 5562 to 5563, 2 bases deleted (TA; older notation c.5562_5563delTA).
Protein change: p.His1854fs; shifts the reading frame from histidine 1854.
Molecular consequence: frameshift variant.
Genome position (GRCh38, 1-based): chr14:91,273,149-91,273,150, TA deleted on the plus strand (TA on the coding strand, the reverse complement: CCDC88C is on the minus strand); deleting any 2 consecutive bases within chr14:91,273,149-91,273,151 gives the same sequence; the c. name uses the placement nearest the transcript's 3' end. VCF-style (leftmost placement, unchanged base first): chr14-91273148-CTA-C. GRCh37 (hg19) VCF-style: chr14-91739492-CTA-C.
Other names: short protein forms H1854fs.
Identifiers: ClinVar variation 2790748 (VCV002790748.3), dbSNP rs2544239201, ClinGen allele CA2739278571.
Genomic context (GRCh38, chr14:91,273,148, plus strand): 5'-CCTGGGCCCTGACAGGAGCTGCCAGCCTTTCCCACAAGTGGGGTCCGCTCCCGGGCCAGG[CTA>C]TGGGAGCTGGGGGGTGCGGGGCTTTGCAGGGTGTGGCTGCCTGTCTCTCTGCCCCCTAAG-3'

ClinVar aggregate classification (germline): Pathogenic (1 of 4 stars; one submission).

Submission:

Labcorp Genetics (formerly Invitae), Labcorp
Classification: Pathogenic. Last evaluated: 2023-07-25. Review status: criteria provided, single submitter. Criteria: Invitae Variant Classification Sherloc (09022015). Collection method: clinical testing. Allele origin: germline.
Comment: This variant is not present in population databases (gnomAD no frequency). This sequence change creates a premature translational stop signal (p.His1854Glnfs*121) in the CCDC88C gene. While this is not anticipated to result in nonsense mediated decay, it is expected to disrupt the last 175 amino acid(s) of the CCDC88C protein. For these reasons, this variant has been classified as Pathogenic. This variant disrupts a region of the CCDC88C protein in which other variant(s) (p.Glu1949Glyfs*26) have been determined to be pathogenic (PMID: 23042809). This suggests that this is a clinically significant region of the protein, and that variants that disrupt it are likely to be disease-causing. This variant has not been reported in the literature in individuals affected with CCDC88C-related conditions.

Literature cited by the submitters: PubMed 23042809.